The following is an entry in ClinVar:

NM_004369.4(COL6A3):c.9529A>C (p.Thr3177Pro)

Genes: COL6A3 (collagen type VI alpha 3 chain; minus strand), LOC126806573 (CDK7 strongly-dependent group 2 enhancer GRCh37_chr2:238233151-238234350; plus strand). Cytogenetic location: 2q37.3.
Variant type: single nucleotide variant.
Coding change: c.9529A>C on transcript NM_004369.4 (MANE Select); coding-DNA position 9529, A replaced by C.
Protein change: p.Thr3177Pro; replaces threonine 3177 with proline.
Molecular consequence: missense variant.
Genome position (GRCh38, 1-based): chr2:237,324,779, T>G on the plus strand (A>C on the coding strand, the complement: COL6A3 is on the minus strand). VCF-style: chr2-237324779-T-G. GRCh37 (hg19) VCF-style: chr2-238233422-T-G.
Other names: c.7708A>C, p.Thr2570Pro (NM_057166.5); c.8911A>C, p.Thr2971Pro (NM_057167.4); short protein forms T2971P, T3177P, T2570P.
Identifiers: ClinVar variation 1434041 (VCV001434041.8), dbSNP rs2106297671, ClinGen allele CA351185233.
Genomic context (GRCh38, chr2:237,324,779, plus strand): 5'-TGGCGATGGCTGACTCCTTCTTCTTCAAGAGGTATATGATGTTGGCCACCCACGCTTAGG[T>G]TCCCATCACACTGATGACTCCGGGTTTGGCGAGCACTGAGCGTCGAGAGAGGGGGTGGGT-3'
Protein context (NP_004360.2, residues 3167-3177): AKPGVISVMG[Thr3177Pro]

ClinVar aggregate classification (germline): Uncertain significance (1 of 4 stars; one submission).

Conditions:
Bethlem myopathy 1A. Also called: MYOPATHY, BENIGN CONGENITAL, WITH CONTRACTURES; Bethlem Muscular Dystrophy; Bethlem myopathy 1. Identifiers: Orphanet 610, MedGen CN029274, MONDO:0024530, OMIM 158810.

Allele frequency attached by ClinVar (database versions not stated): gnomAD exomes below 0.00001.
gnomAD v4.1: 1 of 1,613,904 alleles (0.000062%); highest among the groups gnomAD compares: Non-Finnish European, 0.000085%; no homozygotes.

Submission:

Labcorp Genetics (formerly Invitae), Labcorp
Classification: Uncertain significance for Bethlem myopathy 1A. Last evaluated: 2022-02-08. Review status: criteria provided, single submitter. Criteria: Invitae Variant Classification Sherloc (09022015). Collection method: clinical testing. Allele origin: germline.
Comment: This sequence change replaces threonine, which is neutral and polar, with proline, which is neutral and non-polar, at codon 3177 of the COL6A3 protein (p.Thr3177Pro). This variant is not present in population databases (gnomAD no frequency). This variant has not been reported in the literature in individuals affected with COL6A3-related conditions. Advanced modeling of protein sequence and biophysical properties (such as structural, functional, and spatial information, amino acid conservation, physicochemical variation, residue mobility, and thermodynamic stability) performed at Invitae indicates that this missense variant is not expected to disrupt COL6A3 protein function. In summary, the available evidence is currently insufficient to determine the role of this variant in disease. Therefore, it has been classified as a Variant of Uncertain Significance.